The following is an entry in ClinVar:

ClinVar aggregate classification (germline): Uncertain significance (1 of 4 stars; one submission).

gnomAD v4.1: 1 of 1,613,912 alleles (0.000062%); highest among the groups gnomAD compares: South Asian, 0.0011%; no homozygotes.

Submission:

GeneDx
Classification: Uncertain significance. Last evaluated: 2025-08-03. Review status: criteria provided, single submitter. Criteria: GeneDx Variant Classification Process June 2021. Collection method: clinical testing. Allele origin: germline. Affected: yes.
Comment: Not observed at significant frequency in large population cohorts (gnomAD); In silico analysis supports that this missense variant has a deleterious effect on protein structure/function; Has not been previously published as pathogenic or benign to our knowledge

NM_001792.5(CDH2):c.449A>C (p.His150Pro)

Gene: CDH2 (cadherin 2; minus strand). Cytogenetic location: 18q12.1.
Variant type: single nucleotide variant.
Coding change: c.449A>C on transcript NM_001792.5 (MANE Select); coding-DNA position 449, A replaced by C.
Protein change: p.His150Pro; replaces histidine 150 with proline.
Molecular consequence: missense variant.
Genome position (GRCh38, 1-based): chr18:28,011,943, T>G on the plus strand (A>C on the coding strand, the complement: CDH2 is on the minus strand). VCF-style: chr18-28011943-T-G. GRCh37 (hg19) VCF-style: chr18-25591907-T-G.
Other names: c.356A>C, p.His119Pro (NM_001308176.2); short protein forms H119P, H150P.
Identifiers: ClinVar variation 4755730 (VCV004755730.1).